The following is an entry in ClinVar:

ClinVar aggregate classification (germline): Uncertain significance. Review status: criteria provided, multiple submitters, no conflicts (2 of 4 stars). 2 submissions from 2 submitters: Uncertain significance (2). Last evaluated 2025-01-07.

Conditions:
Hereditary cancer-predisposing syndrome. Also called: Hereditary neoplastic syndrome; Hereditary Cancer Syndrome; Neoplastic Syndromes, Hereditary; Tumor predisposition. Identifiers: Orphanet 140162, MedGen C0027672, MeSH D009386, MONDO:0015356.
Peutz-Jeghers syndrome (PJS). Also called: POLYPOSIS, HAMARTOMATOUS INTESTINAL; POLYPS-AND-SPOTS SYNDROME; Peutz-Jeghers polyposis; Periorificial lentiginosis syndrome. Identifiers: Orphanet 2869, MedGen C0031269, MeSH D010580, MONDO:0008280, OMIM 175200.

Submissions (2):

Ambry Genetics
Classification: Uncertain significance for Hereditary cancer-predisposing syndrome. Last evaluated: 2025-01-07. Review status: criteria provided, single submitter. Criteria: Ambry Variant Classification Scheme 2023. Collection method: clinical testing. Allele origin: germline.
Comment: The p.P254L variant (also known as c.761C>T), located in coding exon 6 of the STK11 gene, results from a C to T substitution at nucleotide position 761. The proline at codon 254 is replaced by leucine, an amino acid with similar properties. This amino acid position is conserved. In addition, this alteration is predicted to be deleterious by in silico analysis. Based on the available evidence, the clinical significance of this variant remains unclear.

Labcorp Genetics (formerly Invitae), Labcorp
Classification: Uncertain significance for Peutz-Jeghers syndrome. Last evaluated: 2024-04-15. Review status: criteria provided, single submitter. Criteria: Invitae Variant Classification Sherloc (09022015). Collection method: clinical testing. Allele origin: germline.
Comment: This sequence change replaces proline, which is neutral and non-polar, with leucine, which is neutral and non-polar, at codon 254 of the STK11 protein (p.Pro254Leu). This variant is not present in population databases (gnomAD no frequency). This variant has not been reported in the literature in individuals affected with STK11-related conditions. Advanced modeling of protein sequence and biophysical properties (such as structural, functional, and spatial information, amino acid conservation, physicochemical variation, residue mobility, and thermodynamic stability) performed at Invitae indicates that this missense variant is expected to disrupt STK11 protein function with a positive predictive value of 95%. In summary, the available evidence is currently insufficient to determine the role of this variant in disease. Therefore, it has been classified as a Variant of Uncertain Significance.

NM_000455.5(STK11):c.761C>T (p.Pro254Leu)

Gene: STK11 (serine/threonine kinase 11; plus strand). Cytogenetic location: 19p13.3.
Variant type: single nucleotide variant.
Coding change: c.761C>T on transcript NM_000455.5 (MANE Select); coding-DNA position 761, C replaced by T.
Protein change: p.Pro254Leu; replaces proline 254 with leucine.
Molecular consequence: missense variant. On other transcripts: non-coding transcript variant (1).
Genome position (GRCh38, 1-based): chr19:1,221,239, C>T. VCF-style: chr19-1221239-C-T. GRCh37 (hg19) VCF-style: chr19-1221238-C-T.
Other names: c.761C>T, p.Pro254Leu (NM_001407255.1); short protein forms P254L.
Identifiers: ClinVar variation 3649907 (VCV003649907.3).